The following is an entry in ClinVar:

ClinVar aggregate classification (germline): Uncertain significance (1 of 4 stars; one submission).

Allele frequency attached by ClinVar (database versions not stated): ExAC 0.00001; gnomAD 0.00001; gnomAD exomes 0.00001; TOPMed 0.00002.

Submission:

Labcorp Genetics (formerly Invitae), Labcorp
Classification: Uncertain significance. Last evaluated: 2024-04-19. Review status: criteria provided, single submitter. Criteria: Invitae Variant Classification Sherloc (09022015). Collection method: clinical testing. Allele origin: germline.
Comment: This sequence change replaces methionine, which is neutral and non-polar, with threonine, which is neutral and polar, at codon 1455 of the ROBO1 protein (p.Met1455Thr). This variant is present in population databases (rs776678244, gnomAD 0.009%). This variant has not been reported in the literature in individuals affected with ROBO1-related conditions. Advanced modeling of protein sequence and biophysical properties (such as structural, functional, and spatial information, amino acid conservation, physicochemical variation, residue mobility, and thermodynamic stability) performed at Invitae indicates that this missense variant is not expected to disrupt ROBO1 protein function with a negative predictive value of 95%. In summary, the available evidence is currently insufficient to determine the role of this variant in disease. Therefore, it has been classified as a Variant of Uncertain Significance.

NM_002941.4(ROBO1):c.4364T>C (p.Met1455Thr)

Gene: ROBO1 (roundabout guidance receptor 1; minus strand). Cytogenetic location: 3p12.3.
Variant type: single nucleotide variant.
Coding change: c.4364T>C on transcript NM_002941.4 (MANE Select); coding-DNA position 4364, T replaced by C.
Protein change: p.Met1455Thr; replaces methionine 1455 with threonine.
Molecular consequence: missense variant.
Genome position (GRCh38, 1-based): chr3:78,614,719, A>G on the plus strand (T>C on the coding strand, the complement: ROBO1 is on the minus strand). VCF-style: chr3-78614719-A-G. GRCh37 (hg19) VCF-style: chr3-78663869-A-G.
Other names: c.4229T>C, p.Met1410Thr (NM_001145844.1, NM_133631.4); c.4064T>C, p.Met1355Thr (NM_001145845.2); short protein forms M1355T, M1455T, M1410T.
Identifiers: ClinVar variation 2891298 (VCV002891298.3), dbSNP rs776678244, ClinGen allele CA2498092.